The following is an entry in ClinVar:

NM_014000.3(VCL):c.1161G>T (p.Lys387Asn)

Gene: VCL (vinculin; plus strand). Cytogenetic location: 10q22.2.
Variant type: single nucleotide variant.
Coding change: c.1161G>T on transcript NM_014000.3 (MANE Select); coding-DNA position 1161, G replaced by T.
Protein change: p.Lys387Asn; replaces lysine 387 with asparagine.
Molecular consequence: missense variant.
Genome position (GRCh38, 1-based): chr10:74,089,334, G>T. VCF-style: chr10-74089334-G-T. GRCh37 (hg19) VCF-style: chr10-75849092-G-T.
Other names: c.1161G>T, p.Lys387Asn (NM_003373.4); short protein forms K387N.
Identifiers: ClinVar variation 3660804 (VCV003660804.2).
Genomic context (GRCh38, chr10:74,089,334, plus strand): 5'-GGAAAATGCAGCTCGCAAGCTGGAAGCCATGACCAACTCAAAGCAGAGCATTGCAAAGAA[G>T]ATCGATGCTGCTCAGGTAGTCACAGTGATTTTCAGGAGGGGTGGGAAATATTTCATAAAT-3'
Protein context (NP_054706.1, residues 377-397): MTNSKQSIAK[Lys387Asn]IDAAQNWLAD

ClinVar aggregate classification (germline): Uncertain significance (1 of 4 stars; one submission).

Conditions:
Dilated cardiomyopathy 1W (CMD1W). Identifiers: Orphanet 154, MedGen C1969639, MONDO:0012667, OMIM 611407.

Submission:

Labcorp Genetics (formerly Invitae), Labcorp
Classification: Uncertain significance for Dilated cardiomyopathy 1W. Last evaluated: 2024-08-04. Review status: criteria provided, single submitter. Criteria: Invitae Variant Classification Sherloc (09022015). Collection method: clinical testing. Allele origin: germline.
Comment: This sequence change replaces lysine, which is basic and polar, with asparagine, which is neutral and polar, at codon 387 of the VCL protein (p.Lys387Asn). This variant is not present in population databases (gnomAD no frequency). This variant has not been reported in the literature in individuals affected with VCL-related conditions. An algorithm developed to predict the effect of missense changes on protein structure and function (PolyPhen-2) suggests that this variant is likely to be disruptive. In summary, the available evidence is currently insufficient to determine the role of this variant in disease. Therefore, it has been classified as a Variant of Uncertain Significance.